The following is an entry in ClinVar:

NM_002155.4(HSPA6):c.-1862_*5145del

Genes: FCGR2A (Fc gamma receptor IIa; plus strand), HSPA6 (heat shock protein family A (Hsp70) member 6; plus strand), TRG-GCC2-1 (tRNA-Gly (anticodon GCC) 2-1; minus strand), TRG-TCC2-6 (tRNA-Gly (anticodon TCC) 2-6; plus strand), TRL-CAG1-6 (tRNA-Leu (anticodon CAG) 1-6; minus strand) and 1 more. Cytogenetic location: 1q23.3.
Variant type: Deletion.
Coding change: c.-1862_*5145del on transcript NM_002155.4; 1862 bases upstream of the start codon through 5145 bases downstream of the stop codon, this stretch deleted.
Identifiers: ClinVar variation 156760 (VCV000156760.2), ClinGen allele CA211966.

ClinVar aggregate classification (germline): not provided (0 of 4 stars; one submission).

Conditions:
Small for gestational age. Also called: Low birth weight. Identifiers: MedGen C0235991, HP:0001518.

Submission:

Institute of Molecular and Cell Biology, University of Tartu
No classification provided. Condition: Small for gestational age. Review status: no classification provided. Collection method: case-control. Allele origin: unknown. Affected: yes. Study: Kasak2014.
Comment: The study aimed to determine the contribution of copy number variants in the genetic etiology of normal and complicated pregnancies. The samples represented (i) maternal blood DNA drawn from healthy pregnant women during 1st or 2nd trimester and (ii) maternal and paternal blood DNA drawn at term pregnancy cases representing normal and complicated gestations (severe preeclampsia, PE; gestational diabetes, GD; small-for-gestational age newborn, SGA; large-for-gestational age newborn, LGA). We performed CNV calling based on genome-wide genotyping dataset (Illumina HumanOmniExpress-24-v1 BeadChip) by applying three algorithms, QuantiSNP, GADA (Genome Alteration Detection Algorithm) and CNstream in parallel. The acquired CNV calls were merged with HD-CNV (Hotspot Detector for Copy Number Variants) program and only the CNVs predicted by at least two programs, were considered in subsequent analysis.

Literature cited by the submitters: PubMed 25666259.